The following is an entry in ClinVar:

NM_001004334.4(GPR179):c.6920_6922del (p.Glu2307del)

Gene: GPR179 (G protein-coupled receptor 179; minus strand). Cytogenetic location: 17q12.
Variant type: Deletion.
Coding change: c.6920_6922del on transcript NM_001004334.4 (MANE Select); coding-DNA positions 6920 to 6922, 3 bases deleted (AAG; older notation c.6920_6922delAAG).
Protein change: p.Glu2307del; deletes glutamic acid 2307.
Molecular consequence: inframe deletion.
Genome position (GRCh38, 1-based): chr17:38,326,647-38,326,649, CTT deleted on the plus strand (AAG on the coding strand, the reverse complement: GPR179 is on the minus strand); deleting any 3 consecutive bases within chr17:38,326,647-38,326,651 gives the same sequence; the c. name uses the placement nearest the transcript's 3' end. VCF-style (leftmost placement, unchanged base first): chr17-38326646-CCTT-C. GRCh37 (hg19) VCF-style: chr17-36482529-CCTT-C.
Other names: short protein forms E2307del.
Identifiers: ClinVar variation 1898942 (VCV001898942.4), dbSNP rs2512155014, ClinGen allele CA2580093608.

ClinVar aggregate classification (germline): Uncertain significance (1 of 4 stars; one submission).

Submission:

Labcorp Genetics (formerly Invitae), Labcorp
Classification: Uncertain significance. Last evaluated: 2025-02-10. Review status: criteria provided, single submitter. Criteria: Invitae Variant Classification Sherloc (09022015). Collection method: clinical testing. Allele origin: germline.
Comment: This variant, c.6920_6922del, results in the deletion of 1 amino acid(s) of the GPR179 protein (p.Glu2307del), but otherwise preserves the integrity of the reading frame. This variant is not present in population databases (gnomAD no frequency). This variant has not been reported in the literature in individuals affected with GPR179-related conditions. ClinVar contains an entry for this variant (Variation ID: 1898942). In summary, the available evidence is currently insufficient to determine the role of this variant in disease. Therefore, it has been classified as a Variant of Uncertain Significance.